The following is an entry in ClinVar:

NM_138814.4(PNPLA5):c.132C>T (p.Arg44=)

Gene: PNPLA5 (patatin like domain 5, triacylglycerol lipase; minus strand). Cytogenetic location: 22q13.31.
Variant type: single nucleotide variant.
Coding change: c.132C>T on transcript NM_138814.4 (MANE Select); coding-DNA position 132, C replaced by T.
Protein change: p.Arg44=; no amino-acid change (arginine 44 retained).
Molecular consequence: synonymous variant. On other transcripts: 5 prime UTR variant (1).
Genome position (GRCh38, 1-based): chr22:43,891,749, G>A on the plus strand (C>T on the coding strand, the complement: PNPLA5 is on the minus strand). VCF-style: chr22-43891749-G-A. GRCh37 (hg19) VCF-style: chr22-44287629-G-A.
Other names: c.132C>T, p.Arg44= (NM_001177675.2); c.-333C>T (NM_001371410.1).
Identifiers: ClinVar variation 3060543 (VCV003060543.2), dbSNP rs74445350, ClinGen allele CA10277735.

ClinVar aggregate classification (germline): Benign (0 of 4 stars; one submission).

Conditions:
PNPLA5-related disorder. Also called: PNPLA5-related condition.

Allele frequency attached by ClinVar (database versions not stated): ESP Exome Variant Server 0.05804; TOPMed 0.09223; gnomAD 0.09403; gnomAD exomes 0.11638; 1000 Genomes Project 30x 0.13086; 1000 Genomes Project 0.13319; ExAC 0.16316.
gnomAD v4.1: 176,222 of 1,543,906 alleles (11%); highest among the groups gnomAD compares: East Asian, 23%; 11,266 homozygotes.

Submission:

PreventionGenetics, part of Exact Sciences
Classification: Benign for PNPLA5-related condition. Last evaluated: 2019-02-22. Review status: no assertion criteria provided. Collection method: clinical testing. Allele origin: germline.
Comment: This variant is classified as benign based on ACMG/AMP sequence variant interpretation guidelines (Richards et al. 2015 PMID: 25741868, with internal and published modifications).